The following is an entry in ClinVar:

ClinVar aggregate classification (germline): Uncertain significance (1 of 4 stars; one submission).

Allele frequency attached by ClinVar (database versions not stated): gnomAD exomes 0.00001; ExAC 0.00002; ESP Exome Variant Server 0.00008; 1000 Genomes Project 30x 0.00016; TOPMed 0.00017; gnomAD 0.00018; 1000 Genomes Project 0.00020.
gnomAD v4.1: 49 of 1,613,644 alleles (0.003%); highest among the groups gnomAD compares: African/African-American, 0.045%; no homozygotes.

Submission:

Labcorp Genetics (formerly Invitae), Labcorp
Classification: Uncertain significance. Last evaluated: 2022-05-19. Review status: criteria provided, single submitter. Criteria: Invitae Variant Classification Sherloc (09022015). Collection method: clinical testing. Allele origin: germline.
Comment: In summary, the available evidence is currently insufficient to determine the role of this variant in disease. Therefore, it has been classified as a Variant of Uncertain Significance. Algorithms developed to predict the effect of missense changes on protein structure and function are either unavailable or do not agree on the potential impact of this missense change (SIFT: "Deleterious"; PolyPhen-2: "Probably Damaging"; Align-GVGD: "Class C0"). This variant has not been reported in the literature in individuals affected with PMPCA-related conditions. This variant is present in population databases (rs201334936, gnomAD 0.03%). This sequence change replaces lysine, which is basic and polar, with glutamic acid, which is acidic and polar, at codon 357 of the PMPCA protein (p.Lys357Glu).

NM_015160.3(PMPCA):c.1069A>G (p.Lys357Glu)

Gene: PMPCA (peptidase, mitochondrial processing subunit alpha; plus strand). Cytogenetic location: 9q34.3.
Variant type: single nucleotide variant.
Coding change: c.1069A>G on transcript NM_015160.3 (MANE Select); coding-DNA position 1069, A replaced by G.
Protein change: p.Lys357Glu; replaces lysine 357 with glutamic acid.
Molecular consequence: missense variant.
Genome position (GRCh38, 1-based): chr9:136,418,633, A>G. VCF-style: chr9-136418633-A-G. GRCh37 (hg19) VCF-style: chr9-139313085-A-G.
Other names: c.676A>G, p.Lys226Glu (NM_001282944.2); c.769A>G, p.Lys257Glu (NM_001282946.2); short protein forms K226E, K257E, K357E.
Identifiers: ClinVar variation 1986437 (VCV001986437.4), dbSNP rs201334936, ClinGen allele CA5336277.